The following is an entry in ClinVar:

ClinVar aggregate classification (germline): Pathogenic. Review status: criteria provided, multiple submitters, no conflicts (2 of 4 stars). 2 submissions from 2 submitters: Pathogenic (2). Last evaluated 2025-07-01.

Conditions:
Neurofibromatosis, type 1 (NF1). Also called: Peripheral type neurofibromatosis; VON RECKLINGHAUSEN DISEASE; NEUROFIBROMATOSIS, TYPE I, SOMATIC; Neurofibromatosis, type I. Identifiers: Orphanet 636, MedGen C0027831, MONDO:0018975, OMIM 162200. Disease mechanism: loss of function.

Submissions (2):

NHS Central & South Genomic Laboratory Hub
Classification: Pathogenic for Neurofibromatosis type 1. Last evaluated: 2025-07-01. Review status: criteria provided, single submitter. Criteria: ACMG Guidelines, 2015. Collection method: clinical testing. Allele origin: germline. Affected: yes.

Labcorp Genetics (formerly Invitae), Labcorp
Classification: Pathogenic for Neurofibromatosis, type 1. Last evaluated: 2024-06-26. Review status: criteria provided, single submitter. Criteria: Invitae Variant Classification Sherloc (09022015). Collection method: clinical testing. Allele origin: germline.
Comment: This sequence change affects an acceptor splice site in intron 25 of the NF1 gene. It is expected to disrupt RNA splicing. Variants that disrupt the donor or acceptor splice site typically lead to a loss of protein function (PMID: 16199547), and loss-of-function variants in NF1 are known to be pathogenic (PMID: 10712197, 23913538). This variant is not present in population databases (gnomAD no frequency). Disruption of this splice site has been observed in individual(s) with neurofibromatosis type 1 (PMID: 23913538; Invitae). ClinVar contains an entry for this variant (Variation ID: 2137978). Algorithms developed to predict the effect of sequence changes on RNA splicing suggest that this variant may disrupt the consensus splice site. For these reasons, this variant has been classified as Pathogenic.

Literature cited by the submitters: PubMed 16199547 (cited by Labcorp Genetics (formerly Invitae), Labcorp); PubMed 10712197 (cited by Labcorp Genetics (formerly Invitae), Labcorp); PubMed 23913538 (cited by Labcorp Genetics (formerly Invitae), Labcorp).

NM_001042492.3(NF1):c.3315-1G>T

Gene: NF1 (neurofibromin 1; plus strand). Cytogenetic location: 17q11.2.
Variant type: single nucleotide variant.
Coding change: c.3315-1G>T on transcript NM_001042492.3 (MANE Select); the canonical splice acceptor site of the intron before coding-DNA position 3315, G replaced by T.
Molecular consequence: splice acceptor variant.
Genome position (GRCh38, 1-based): chr17:31,232,699, G>T. VCF-style: chr17-31232699-G-T. GRCh37 (hg19) VCF-style: chr17-29559717-G-T.
Other names: c.3315-1G>T (NM_000267.4).
Identifiers: ClinVar variation 2137978 (VCV002137978.4), dbSNP rs1567850984, ClinGen allele CA398988955.